The following is an entry in ClinVar:

ClinVar aggregate classification (germline): Uncertain significance (1 of 4 stars; one submission).

Conditions:
Inborn genetic diseases. Identifiers: MedGen C0950123, MeSH D030342.

Allele frequency attached by ClinVar (database versions not stated): gnomAD exomes below 0.00001; TOPMed below 0.00001.
gnomAD v4.1: 1 of 1,614,176 alleles (0.000062%); highest among the groups gnomAD compares: Non-Finnish European, 0.000085%; no homozygotes.

Submission:

Ambry Genetics
Classification: Uncertain significance for Inborn genetic diseases. Last evaluated: 2023-06-30. Review status: criteria provided, single submitter. Criteria: Ambry Variant Classification Scheme 2023. Collection method: clinical testing. Allele origin: germline.
Comment: The p.L676P variant (also known as c.2027T>C), located in coding exon 21 of the ERCC2 gene, results from a T to C substitution at nucleotide position 2027. The leucine at codon 676 is replaced by proline, an amino acid with similar properties. This amino acid position is conserved. In addition, this alteration is predicted to be deleterious by in silico analysis. Since supporting evidence is limited at this time, the clinical significance of this alteration remains unclear.

NM_000400.4(ERCC2):c.2027T>C (p.Leu676Pro)

Gene: ERCC2 (ERCC excision repair 2, TFIIH core complex helicase subunit; minus strand). Cytogenetic location: 19q13.32.
Variant type: single nucleotide variant.
Coding change: c.2027T>C on transcript NM_000400.4 (MANE Select); coding-DNA position 2027, T replaced by C.
Protein change: p.Leu676Pro; replaces leucine 676 with proline.
Molecular consequence: missense variant.
Genome position (GRCh38, 1-based): chr19:45,352,525, A>G on the plus strand (T>C on the coding strand, the complement: ERCC2 is on the minus strand). VCF-style: chr19-45352525-A-G. GRCh37 (hg19) VCF-style: chr19-45855783-A-G.
Other names: short protein forms L676P.
Identifiers: ClinVar variation 2586773 (VCV002586773.2), dbSNP rs1971844296, ClinGen allele CA406362799.